The following is an entry in ClinVar:

NM_000384.3(APOB):c.7436T>G (p.Val2479Gly)

Gene: APOB (apolipoprotein B; minus strand). Cytogenetic location: 2p24.1.
Variant type: single nucleotide variant.
Coding change: c.7436T>G on transcript NM_000384.3 (MANE Select); coding-DNA position 7436, T replaced by G.
Protein change: p.Val2479Gly; replaces valine 2479 with glycine.
Molecular consequence: missense variant.
Genome position (GRCh38, 1-based): chr2:21,009,432, A>C on the plus strand (T>G on the coding strand, the complement: APOB is on the minus strand). VCF-style: chr2-21009432-A-C. GRCh37 (hg19) VCF-style: chr2-21232304-A-C.
Other names: short protein forms V2479G.
Identifiers: ClinVar variation 3932577 (VCV003932577.1).

ClinVar aggregate classification (germline): Uncertain significance (1 of 4 stars; one submission).

Conditions:
Cardiovascular phenotype. Identifiers: MedGen CN230736.

gnomAD v4.1: 1 of 1,614,084 alleles (0.000062%); highest among the groups gnomAD compares: Non-Finnish European, 0.000085%; no homozygotes.

Submission:

Ambry Genetics
Classification: Uncertain significance for Cardiovascular phenotype. Last evaluated: 2025-03-25. Review status: criteria provided, single submitter. Criteria: Ambry Variant Classification Scheme 2023. Collection method: clinical testing. Allele origin: germline.
Comment: The p.V2479G variant (also known as c.7436T>G), located in coding exon 26 of the APOB gene, results from a T to G substitution at nucleotide position 7436. The valine at codon 2479 is replaced by glycine, an amino acid with dissimilar properties. This amino acid position is conserved. In addition, this alteration is predicted to be tolerated by in silico analysis. Based on the available evidence, the clinical significance of this variant remains unclear.